The following is an entry in ClinVar:

NM_001348716.2(KDM6B):c.4909-51G>A

Gene: KDM6B (lysine demethylase 6B; plus strand). Cytogenetic location: 17p13.1.
Variant type: single nucleotide variant.
Coding change: c.4909-51G>A on transcript NM_001348716.2 (MANE Select); 51 bases into the intron before coding-DNA position 4909, G replaced by A.
Molecular consequence: intron variant. On other transcripts: missense variant (1).
Genome position (GRCh38, 1-based): chr17:7,853,447, G>A. VCF-style: chr17-7853447-G-A. GRCh37 (hg19) VCF-style: chr17-7756765-G-A.
Other names: c.4975G>A, p.Gly1659Arg (NM_001080424.2); short protein forms G1659R.
Identifiers: ClinVar variation 4873657 (VCV004873657.2).

ClinVar aggregate classification (germline): Likely benign (1 of 4 stars; one submission).

Submission:

CeGaT Center for Human Genetics Tuebingen
Classification: Likely benign. Last evaluated: 2026-04-01. Review status: criteria provided, single submitter. Criteria: CeGaT Center For Human Genetics Tuebingen Variant Classification Criteria Version 2. Collection method: clinical testing. Allele origin: germline. Affected: yes. Observed: 1 variant allele.
Comment: KDM6B: BS1